The following is an entry in ClinVar:

ClinVar aggregate classification (germline): Uncertain significance (1 of 4 stars; one submission).

Allele frequency attached by ClinVar (database versions not stated): gnomAD exomes below 0.00001; TOPMed 0.00003.
gnomAD v4.1: 2 of 1,614,128 alleles (0.00012%); highest among the groups gnomAD compares: Admixed American, 0.0017%; no homozygotes.

Submission:

Labcorp Genetics (formerly Invitae), Labcorp
Classification: Uncertain significance. Last evaluated: 2023-10-05. Review status: criteria provided, single submitter. Criteria: Invitae Variant Classification Sherloc (09022015). Collection method: clinical testing. Allele origin: germline.
Comment: This sequence change replaces valine, which is neutral and non-polar, with glycine, which is neutral and non-polar, at codon 3752 of the HMCN1 protein (p.Val3752Gly). This variant is present in population databases (no rsID available, gnomAD 0.007%). This variant has not been reported in the literature in individuals affected with HMCN1-related conditions. An algorithm developed to predict the effect of missense changes on protein structure and function (PolyPhen-2) suggests that this variant is likely to be disruptive. In summary, the available evidence is currently insufficient to determine the role of this variant in disease. Therefore, it has been classified as a Variant of Uncertain Significance.

NM_031935.3(HMCN1):c.11255T>G (p.Val3752Gly)

Gene: HMCN1 (hemicentin 1; plus strand). Cytogenetic location: 1q31.1.
Variant type: single nucleotide variant.
Coding change: c.11255T>G on transcript NM_031935.3 (MANE Select); coding-DNA position 11255, T replaced by G.
Protein change: p.Val3752Gly; replaces valine 3752 with glycine.
Molecular consequence: missense variant.
Genome position (GRCh38, 1-based): chr1:186,114,102, T>G. VCF-style: chr1-186114102-T-G. GRCh37 (hg19) VCF-style: chr1-186083234-T-G.
Other names: short protein forms V3752G.
Identifiers: ClinVar variation 2917626 (VCV002917626.3), dbSNP rs1025242770, ClinGen allele CA33504241.